The following is an entry in ClinVar:

NM_152713.5(STT3A):c.553A>G (p.Lys185Glu)

Gene: STT3A (STT3 oligosaccharyltransferase complex catalytic subunit A; plus strand). Cytogenetic location: 11q24.2.
Variant type: single nucleotide variant.
Coding change: c.553A>G on transcript NM_152713.5 (MANE Select); coding-DNA position 553, A replaced by G.
Protein change: p.Lys185Glu; replaces lysine 185 with glutamic acid.
Molecular consequence: missense variant.
Genome position (GRCh38, 1-based): chr11:125,605,673, A>G. VCF-style: chr11-125605673-A-G. GRCh37 (hg19) VCF-style: chr11-125475568-A-G.
Other names: c.553A>G, p.Lys185Glu (NM_001278503.2); c.277A>G, p.Lys93Glu (NM_001278504.2); short protein forms K93E, K185E.
Identifiers: ClinVar variation 3714223 (VCV003714223.2).
Genomic context (GRCh38, chr11:125,605,673, plus strand): 5'-TGTGTCCTTTCTGCAGGGATTGCCATCTTTTGCATGCTACTCACCTACTACATGTGGATC[A>G]AGGCAGTAAAGACTGGTTCCATCTGTTGGGCAGCTAAGTGTGCCCTTGCTTATTTCTACA-3'
Protein context (NP_689926.1, residues 175-195): CMLLTYYMWI[Lys185Glu]AVKTGSICWA

ClinVar aggregate classification (germline): Uncertain significance (1 of 4 stars; one submission).

gnomAD v4.1: 23 of 1,614,000 alleles (0.0014%); highest among the groups gnomAD compares: Non-Finnish European, 0.0019%; no homozygotes.

Submission:

Labcorp Genetics (formerly Invitae), Labcorp
Classification: Uncertain significance. Last evaluated: 2025-03-27. Review status: criteria provided, single submitter. Criteria: Invitae Variant Classification Sherloc (09022015). Collection method: clinical testing. Allele origin: germline.
Comment: This sequence change replaces lysine, which is basic and polar, with glutamic acid, which is acidic and polar, at codon 185 of the STT3A protein (p.Lys185Glu). This variant is present in population databases (rs762477399, gnomAD 0.0009%). This variant has not been reported in the literature in individuals affected with STT3A-related conditions. Invitae Evidence Modeling of protein sequence and biophysical properties (such as structural, functional, and spatial information, amino acid conservation, physicochemical variation, residue mobility, and thermodynamic stability) indicates that this missense variant is expected to disrupt STT3A protein function with a positive predictive value of 80%. In summary, the available evidence is currently insufficient to determine the role of this variant in disease. Therefore, it has been classified as a Variant of Uncertain Significance.